The following is an entry in ClinVar:

ClinVar aggregate classification (germline): Likely pathogenic (1 of 4 stars; one submission).

Conditions:
Inborn genetic diseases. Identifiers: MedGen C0950123, MeSH D030342.

Allele frequency attached by ClinVar (database versions not stated): gnomAD exomes 0.00001.
gnomAD v4.1: 1 of 1,613,436 alleles (0.000062%); no homozygotes.

Submission:

Ambry Genetics
Classification: Likely pathogenic for Hereditary disease. Last evaluated: 2018-01-04. Review status: criteria provided, single submitter. Criteria: ambry_reporting_categories_2017. Collection method: clinical testing. Allele origin: germline. Affected: yes. Observed: 1 heterozygote. Segregation with disease observed.
Comment: Lines of evidence used in support of classification: UNCERTAIN: Alteration(s) of Uncertain Clinical Significance Detected

NM_005548.3(KARS1):c.22G>T (p.Glu8Ter)

Genes: KARS1 (lysyl-tRNA synthetase 1; minus strand), LOC130059450 (ATAC-STARR-seq lymphoblastoid active region 11144; plus strand). Cytogenetic location: 16q23.1.
Variant type: single nucleotide variant.
Coding change: c.22G>T on transcript NM_005548.3 (MANE Select); coding-DNA position 22, G replaced by T.
Protein change: p.Glu8Ter; replaces glutamic acid 8 with a stop codon.
Molecular consequence: nonsense. On other transcripts: 5 prime UTR variant (2).
Genome position (GRCh38, 1-based): chr16:75,647,618, C>A on the plus strand (G>T on the coding strand, the complement: KARS1 is on the minus strand). VCF-style: chr16-75647618-C-A. GRCh37 (hg19) VCF-style: chr16-75681516-C-A.
Other names: c.-75G>T (NM_001130089.2); c.-561G>T (NM_001378148.1); short protein forms E8*.
Identifiers: ClinVar variation 225009 (VCV000225009.3), dbSNP rs869312925, ClinGen allele CA358069.